The following is an entry in ClinVar:

NM_001378969.1(KCND3):c.1217T>C (p.Phe406Ser)

Gene: KCND3 (potassium voltage-gated channel subfamily D member 3; minus strand). Cytogenetic location: 1p13.2.
Variant type: single nucleotide variant.
Coding change: c.1217T>C on transcript NM_001378969.1 (MANE Select); coding-DNA position 1217, T replaced by C.
Protein change: p.Phe406Ser; replaces phenylalanine 406 with serine.
Molecular consequence: missense variant.
Genome position (GRCh38, 1-based): chr1:111,786,996, A>G on the plus strand (T>C on the coding strand, the complement: KCND3 is on the minus strand). VCF-style: chr1-111786996-A-G. GRCh37 (hg19) VCF-style: chr1-112329618-A-G.
Other names: c.1217T>C, p.Phe406Ser (NM_001378970.1, NM_004980.5, NM_172198.3); short protein forms F406S.
Identifiers: ClinVar variation 3342799 (VCV003342799.1).
Genomic context (GRCh38, chr1:111,786,996, plus strand): 5'-AGGCTTACCTTTTGTGCCCTGCGTTTATCAGCTCTCTGATTCTGGTGGTAAATCCGGCTA[A>G]AGTTGGAAACAATCACAGGGACTGGCAGGGCAATGACCAGGACGCCACTCAAGGAGCAGA-3'
Protein context (NP_001365898.1, residues 396-416): ALPVPVIVSN[Phe406Ser]SRIYHQNQRA

ClinVar aggregate classification (germline): Uncertain significance (1 of 4 stars; one submission).

Submission:

GeneDx
Classification: Uncertain significance. Last evaluated: 2024-03-28. Review status: criteria provided, single submitter. Criteria: GeneDx Variant Classification Process June 2021. Collection method: clinical testing. Allele origin: germline. Affected: yes.
Comment: Not observed at significant frequency in large population cohorts (gnomAD); In silico analysis supports that this missense variant has a deleterious effect on protein structure/function; Has not been previously published as pathogenic or benign to our knowledge